The following is an entry in ClinVar:

NM_001110556.2(FLNA):c.6288C>T (p.Asp2096=)

Gene: FLNA (filamin A; minus strand). Cytogenetic location: Xq28.
Variant type: single nucleotide variant.
Coding change: c.6288C>T on transcript NM_001110556.2 (MANE Select); coding-DNA position 6288, C replaced by T.
Protein change: p.Asp2096=; no amino-acid change (aspartic acid 2096 retained).
Molecular consequence: synonymous variant.
Genome position (GRCh38, 1-based): chrX:154,352,863, G>A on the plus strand (C>T on the coding strand, the complement: FLNA is on the minus strand). VCF-style: chrX-154352863-G-A. GRCh37 (hg19) VCF-style: chrX-153581231-G-A.
Other names: c.6264C>T, p.Asp2088= (NM_001456.4).
Identifiers: ClinVar variation 516268 (VCV000516268.15), dbSNP rs782376124, ClinGen allele CA10560124.
Genomic context (GRCh38, chrX:154,352,863, plus strand): 5'-GATGATGTAGTTGCCTGGCTCTGTGGGGCAGTAGGTGACCCTGCACGTCCCGTCCTCCAG[G>A]TCCTCTGTGTTGATGTCCACCTTGCTGGGGCCCTCAATGGACAGGCTGAGCCCACCATAG-3'
Protein context (NP_001104026.1, residues 2086-2106): GPSKVDINTE[Asp2096=]LEDGTCRVTY

ClinVar aggregate classification (germline): Benign/Likely benign. Review status: criteria provided, multiple submitters, no conflicts (2 of 4 stars). 4 submissions from 4 submitters: Benign (1); Likely benign (3). Last evaluated 2025-12-01.

Conditions:
Melnick-Needles syndrome (MNS). Also called: MELNICK-NEEDLES OSTEODYSPLASTY; Melnick-Needles Syndrome (FLNA-MNS); OSTEODYSPLASTY OF MELNICK AND NEEDLES. Identifiers: Orphanet 2484, MedGen C0025237, MONDO:0010650, OMIM 309350.
Frontometaphyseal dysplasia (FMD1). Identifiers: Orphanet 1826, MedGen C0265293, MONDO:0015942.
Heterotopia, periventricular, X-linked dominant (PVNH1). Also called: PERIVENTRICULAR NODULAR HETEROTOPIA 4; HETEROTOPIA, PERIVENTRICULAR, 1; PERIVENTRICULAR NODULAR HETEROTOPIA 1; X-linked periventricular heterotopia. Identifiers: Orphanet 2149, Orphanet 82004, MedGen C1848213, MONDO:0010233, OMIM 300049.
Oto-palato-digital syndrome, type II (OPD2). Also called: Otopalatodigital Syndrome Type 2 (FLNA-OPD2); FACIOPALATOOSSEOUS SYNDROME; OPD II SYNDROME; Otopalatodigital Syndrome, Type II. Identifiers: Orphanet 669, Orphanet 90652, MedGen C1844696, MONDO:0010571, OMIM 304120.
Familial thoracic aortic aneurysm and aortic dissection (TAAD). Also called: Thoracic aortic aneurysms and dissections. Identifiers: Orphanet 91387, MedGen C4707243, MONDO:0019625.

Allele frequency attached by ClinVar (database versions not stated): ExAC 0.00001; gnomAD exomes 0.00001 and 0.00002; TOPMed 0.00001; gnomAD 0.00002 and 0.00005.
gnomAD v4.1: 23 of 1,210,375 alleles (0.0019%); highest among the groups gnomAD compares: Non-Finnish European, 0.0026%; no homozygotes.

Submissions (4):

Labcorp Genetics (formerly Invitae), Labcorp
Classification: Likely benign for Oto-palato-digital syndrome, type II; Heterotopia, periventricular, X-linked dominant; Frontometaphyseal dysplasia; Melnick-Needles syndrome. Last evaluated: 2025-12-01. Review status: criteria provided, single submitter. Criteria: Invitae Variant Classification Sherloc (09022015). Collection method: clinical testing. Allele origin: germline.

Women's Health and Genetics/Laboratory Corporation of America, LabCorp
Classification: Likely benign. Last evaluated: 2025-09-02. Review status: criteria provided, single submitter. Criteria: LabCorp Variant Classification Summary - May 2015. Collection method: clinical testing. Allele origin: germline.

Ambry Genetics
Classification: Likely benign for Familial thoracic aortic aneurysm and aortic dissection. Last evaluated: 2017-09-22. Review status: criteria provided, single submitter. Criteria: Ambry Variant Classification Scheme 2023. Collection method: clinical testing. Allele origin: germline.

GeneDx
Classification: Benign. Last evaluated: 2017-08-23. Review status: criteria provided, single submitter. Criteria: GeneDx Variant Classification (06012015). Collection method: clinical testing. Allele origin: germline. Affected: yes.
Comment: This variant is considered likely benign or benign based on one or more of the following criteria: it is a conservative change, it occurs at a poorly conserved position in the protein, it is predicted to be benign by multiple in silico algorithms, and/or has population frequency not consistent with disease.